The following is an entry in ClinVar:

ClinVar aggregate classification (germline): Likely benign. Review status: criteria provided, single submitter (1 of 4 stars). 2 submissions from 2 submitters: Likely benign (1). 1 of the submissions does not count toward it. Last evaluated 2018-07-04.

Conditions:
ARMC5-related disorder. Also called: ARMC5-related condition.

Allele frequency attached by ClinVar (database versions not stated): gnomAD exomes below 0.00001; TOPMed below 0.00001; gnomAD 0.00001.
gnomAD v4.1: 3 of 1,608,410 alleles (0.00019%); highest among the groups gnomAD compares: Admixed American, 0.0017%; no homozygotes.

Submissions (2):

Labcorp Genetics (formerly Invitae), Labcorp
Classification: Likely benign. Last evaluated: 2018-07-04. Review status: criteria provided, single submitter. Criteria: Invitae Variant Classification Sherloc (09022015). Collection method: clinical testing. Allele origin: germline.

PreventionGenetics, part of Exact Sciences
Classification: Likely benign for ARMC5-related condition. Last evaluated: 2023-04-05. Review status: no assertion criteria provided. Collection method: clinical testing. Allele origin: germline. Not counted in ClinVar's aggregate classification.
Comment: This variant is classified as likely benign based on ACMG/AMP sequence variant interpretation guidelines (Richards et al. 2015 PMID: 25741868, with internal and published modifications).

NM_001105247.2(ARMC5):c.2469A>G (p.Pro823=)

Gene: ARMC5 (armadillo repeat containing 5; plus strand). Cytogenetic location: 16p11.2.
Variant type: single nucleotide variant.
Coding change: c.2469A>G on transcript NM_001105247.2 (MANE Select); coding-DNA position 2469, A replaced by G.
Protein change: p.Pro823=; no amino-acid change (proline 823 retained).
Molecular consequence: synonymous variant. On other transcripts: 3 prime UTR variant (1).
Genome position (GRCh38, 1-based): chr16:31,466,550, A>G. VCF-style: chr16-31466550-A-G. GRCh37 (hg19) VCF-style: chr16-31477871-A-G.
Other names: c.2754A>G, p.Pro918= (NM_001288767.2); c.2565A>G, p.Pro855= (NM_001301820.1); c.*1349A>G (NM_024742.2); c.2754A>G (NM_001288767.1).
Identifiers: ClinVar variation 756156 (VCV000756156.5), dbSNP rs889765608, ClinGen allele CA280645334.
Genomic context (GRCh38, chr16:31,466,550, plus strand): 5'-CCTGCATCATTTGCATGGTTGTCGGGGGTGTGGGGCTGCCCTGGGGCCCGTGCCCCCACC[A>G]GGCCAGCCCCTGCTGGGTTCAGAGGCCGAGGAGGCACTGGAGGCTGCTGGCCGTTTCCTA-3'
Protein context (NP_001098717.1, residues 813-833): CGAALGPVPP[Pro823=]GQPLLGSEAE